The following is an entry in ClinVar:

ClinVar aggregate classification (germline): Uncertain significance (1 of 4 stars; one submission).

Submission:

GeneDx
Classification: Uncertain significance. Last evaluated: 2025-08-08. Review status: criteria provided, single submitter. Criteria: GeneDx Variant Classification Process June 2021. Collection method: clinical testing. Allele origin: germline. Affected: yes.
Comment: Not observed at significant frequency in large population cohorts (gnomAD); In silico analysis supports that this missense variant has a deleterious effect on protein structure/function; Has not been previously published as pathogenic or benign to our knowledge; This variant is associated with the following publications: (PMID: 20473311)

NM_001111125.3(IQSEC2):c.1088T>C (p.Met363Thr)

Gene: IQSEC2 (IQ motif and Sec7 domain ArfGEF 2; minus strand). Cytogenetic location: Xp11.22.
Variant type: single nucleotide variant.
Coding change: c.1088T>C on transcript NM_001111125.3 (MANE Select); coding-DNA position 1088, T replaced by C.
Protein change: p.Met363Thr; replaces methionine 363 with threonine.
Molecular consequence: missense variant.
Genome position (GRCh38, 1-based): chrX:53,254,843, A>G on the plus strand (T>C on the coding strand, the complement: IQSEC2 is on the minus strand). VCF-style: chrX-53254843-A-G. GRCh37 (hg19) VCF-style: chrX-53284025-A-G.
Other names: c.1088T>C, p.Met363Thr (NM_001410736.1, NM_001441092.1); c.590T>C, p.Met197Thr (NM_001441093.1); c.377T>C, p.Met126Thr (NM_001441094.1, NM_001441095.1); c.473T>C, p.Met158Thr (NM_015075.2); short protein forms M126T, M158T, M197T, M363T.
Identifiers: ClinVar variation 4756090 (VCV004756090.1).